The following is an entry in ClinVar:

ClinVar aggregate classification (germline): Uncertain significance. Review status: criteria provided, multiple submitters, no conflicts (2 of 4 stars). 2 submissions from 2 submitters: Uncertain significance (2). Last evaluated 2024-01-01.

Conditions:
Polycystic kidney disease, adult type (PKD1). Also called: Polycystic Kidney Disease 1, Autosomal Dominant; Polycystic kidney disease 1; Polycystic kidney disease 1, severe; POLYCYSTIC KIDNEY DISEASE 1 WITH OR WITHOUT POLYCYSTIC LIVER DISEASE; POLYCYSTIC KIDNEY DISEASE, ADULT, TYPE I; Polycystic Kidney, Autosomal Dominant. Identifiers: MedGen C3149841, MONDO:0008263, OMIM 173900.

Allele frequency attached by ClinVar (database versions not stated): gnomAD exomes below 0.00001.

Submissions (2):

Daryl Scott Lab, Baylor College of Medicine
Classification: Uncertain significance for Polycystic kidney disease, adult type. Last evaluated: 2024-01-01. Review status: criteria provided, single submitter. Criteria: ACMG Guidelines, 2015. Collection method: clinical testing. Allele origin: maternal. Observed: 1 heterozygote.
Comment: PM2

Baylor Genetics
Classification: Uncertain significance for Polycystic kidney disease, adult type. Last evaluated: 2020-01-24. Review status: criteria provided, single submitter. Criteria: ACMG Guidelines, 2015. Collection method: clinical testing. Allele origin: unknown. Affected: yes.
Comment: This variant was determined to be of uncertain significance according to ACMG Guidelines, 2015 [PMID:25741868].

NM_001009944.3(PKD1):c.8827G>T (p.Ala2943Ser)

Gene: PKD1 (polycystin 1, transient receptor potential channel interacting; minus strand). Cytogenetic location: 16p13.3.
Variant type: single nucleotide variant.
Coding change: c.8827G>T on transcript NM_001009944.3 (MANE Select); coding-DNA position 8827, G replaced by T.
Protein change: p.Ala2943Ser; replaces alanine 2943 with serine.
Molecular consequence: missense variant.
Genome position (GRCh38, 1-based): chr16:2,102,935, C>A on the plus strand (G>T on the coding strand, the complement: PKD1 is on the minus strand). VCF-style: chr16-2102935-C-A. GRCh37 (hg19) VCF-style: chr16-2152936-C-A.
Other names: c.8827G>T, p.Ala2943Ser (NM_000296.4); short protein forms A2943S.
Identifiers: ClinVar variation 1028437 (VCV001028437.2), dbSNP rs1440626571, ClinGen allele CA394361761.